The following is an entry in ClinVar:

ClinVar aggregate classification (germline): Uncertain significance. Review status: criteria provided, multiple submitters, no conflicts (2 of 4 stars). 4 submissions from 4 submitters: Uncertain significance (3). 1 of the submissions does not count toward it. Last evaluated 2024-08-26.

Conditions:
Mucopolysaccharidosis type 6 (MPS6). Also called: ARSB DEFICIENCY; ARYLSULFATASE B DEFICIENCY; MPS VI; N-ACETYLGALACTOSAMINE-4-SULFATASE DEFICIENCY; MPS 6; Maroteaux Lamy syndrome. Identifiers: Orphanet 583, MedGen C0026709, MONDO:0009661, OMIM 253200.
Inborn genetic diseases. Identifiers: MedGen C0950123, MeSH D030342.

Allele frequency attached by ClinVar (database versions not stated): gnomAD exomes 0.00002 and 0.00007; gnomAD 0.00005 and 0.00006; TOPMed 0.00005; ESP Exome Variant Server 0.00008.
gnomAD v4.1: 113 of 1,613,920 alleles (0.007%); highest among the groups gnomAD compares: Non-Finnish European, 0.0092%; no homozygotes.

Submissions (4):

Ambry Genetics
Classification: Uncertain significance for Inborn genetic diseases. Last evaluated: 2024-08-26. Review status: criteria provided, single submitter. Criteria: Ambry Variant Classification Scheme 2023. Collection method: clinical testing. Allele origin: germline.

Labcorp Genetics (formerly Invitae), Labcorp
Classification: Uncertain significance for Mucopolysaccharidosis type 6. Last evaluated: 2022-06-03. Review status: criteria provided, single submitter. Criteria: Invitae Variant Classification Sherloc (09022015). Collection method: clinical testing. Allele origin: germline.
Comment: This sequence change replaces isoleucine, which is neutral and non-polar, with valine, which is neutral and non-polar, at codon 184 of the ARSB protein (p.Ile184Val). This variant is present in population databases (rs371812342, gnomAD 0.006%). This variant has not been reported in the literature in individuals affected with ARSB-related conditions. ClinVar contains an entry for this variant (Variation ID: 354312). Advanced modeling of protein sequence and biophysical properties (such as structural, functional, and spatial information, amino acid conservation, physicochemical variation, residue mobility, and thermodynamic stability) performed at Invitae indicates that this missense variant is not expected to disrupt ARSB protein function. In summary, the available evidence is currently insufficient to determine the role of this variant in disease. Therefore, it has been classified as a Variant of Uncertain Significance.

Illumina Laboratory Services, Illumina
Classification: Uncertain significance for Mucopolysaccharidosis type 6. Last evaluated: 2018-01-13. Review status: criteria provided, single submitter. Criteria: ICSL Variant Classification Criteria 13 December 2019. Collection method: clinical testing. Allele origin: germline.

Natera, Inc.
Classification: Uncertain significance for Mucopolysaccharidosis type VI. Last evaluated: 2019-10-28. Review status: no assertion criteria provided. Collection method: clinical testing. Allele origin: germline. Not counted in ClinVar's aggregate classification.

NM_000046.5(ARSB):c.550A>G (p.Ile184Val)

Gene: ARSB (arylsulfatase B; minus strand). Cytogenetic location: 5q14.1.
Variant type: single nucleotide variant.
Coding change: c.550A>G on transcript NM_000046.5 (MANE Select); coding-DNA position 550, A replaced by G.
Protein change: p.Ile184Val; replaces isoleucine 184 with valine.
Molecular consequence: missense variant.
Genome position (GRCh38, 1-based): chr5:78,964,556, T>C on the plus strand (A>G on the coding strand, the complement: ARSB is on the minus strand). VCF-style: chr5-78964556-T-C. GRCh37 (hg19) VCF-style: chr5-78260379-T-C.
Other names: c.550A>G, p.Ile184Val (NM_198709.3); short protein forms I184V.
Identifiers: ClinVar variation 354312 (VCV000354312.13), dbSNP rs371812342, ClinGen allele CA10622297.